The following is an entry in ClinVar:

NM_000128.4(F11):c.755+1G>A

Gene: F11 (coagulation factor XI; plus strand). Cytogenetic location: 4q35.2.
Variant type: single nucleotide variant.
Coding change: c.755+1G>A on transcript NM_000128.4 (MANE Select); the canonical splice donor site of the intron after coding-DNA position 755, G replaced by A.
Molecular consequence: splice donor variant.
Genome position (GRCh38, 1-based): chr4:186,276,391, G>A. VCF-style: chr4-186276391-G-A. GRCh37 (hg19) VCF-style: chr4-187197545-G-A.
Identifiers: ClinVar variation 1471481 (VCV001471481.8), dbSNP rs757275646, ClinGen allele CA358959470.

ClinVar aggregate classification (germline): Likely pathogenic (1 of 4 stars; one submission).

Submission:

Labcorp Genetics (formerly Invitae), Labcorp
Classification: Likely pathogenic. Last evaluated: 2020-11-15. Review status: criteria provided, single submitter. Criteria: Invitae Variant Classification Sherloc (09022015). Collection method: clinical testing. Allele origin: germline.
Comment: This sequence change affects a donor splice site in intron 7 of the F11 gene. It is expected to disrupt RNA splicing. Variants that disrupt the donor or acceptor splice site typically lead to a loss of protein function (PMID: 16199547), and loss-of-function variants in F11 are known to be pathogenic (PMID: 23929304). This variant is not present in population databases (ExAC no frequency). This variant has not been reported in the literature in individuals with F11-related conditions. Algorithms developed to predict the effect of sequence changes on RNA splicing suggest that this variant may disrupt the consensus splice site, but this prediction has not been confirmed by published transcriptional studies. In summary, the currently available evidence indicates that the variant is pathogenic, but additional data are needed to prove that conclusively. Therefore, this variant has been classified as Likely Pathogenic.

Literature cited by the submitters: PubMed 16199547; PubMed 23929304.